The following is an entry in ClinVar:

ClinVar aggregate classification (germline): Pathogenic (1 of 4 stars; one submission).

Submission:

GeneDx
Classification: Pathogenic. Last evaluated: 2019-06-03. Review status: criteria provided, single submitter. Criteria: GeneDx Variant Classification Process June 2021. Collection method: clinical testing. Allele origin: germline. Affected: yes.
Comment: Nonsense variant predicted to result in protein truncation or nonsense mediated decay in a gene for which loss-of-function is a known mechanism of disease; Not observed in large population cohorts (Lek et al., 2016); Has not been previously published as pathogenic or benign to our knowledge

NM_001172509.2(SATB2):c.509G>A (p.Trp170Ter)

Gene: SATB2 (SATB homeobox 2; minus strand). Cytogenetic location: 2q33.1.
Variant type: single nucleotide variant.
Coding change: c.509G>A on transcript NM_001172509.2 (MANE Select); coding-DNA position 509, G replaced by A.
Protein change: p.Trp170Ter; replaces tryptophan 170 with a stop codon.
Molecular consequence: nonsense.
Genome position (GRCh38, 1-based): chr2:199,380,452, C>T on the plus strand (G>A on the coding strand, the complement: SATB2 is on the minus strand). VCF-style: chr2-199380452-C-T. GRCh37 (hg19) VCF-style: chr2-200245175-C-T.
Other names: c.509G>A, p.Trp170Ter (NM_001172517.1, NM_015265.4); short protein forms W170*.
Identifiers: ClinVar variation 1203038 (VCV001203038.3), dbSNP rs2105865970, ClinGen allele CA350388922.